The following is an entry in ClinVar:

ClinVar aggregate classification (germline): Uncertain significance (1 of 4 stars; one submission).

Conditions:
Creatine transporter deficiency (CCDS1). Also called: Mental retardation , X-linked with seizures, short stature and midface hypoplasia; Mental retardation , X-linked, with creatine transport deficiency; X-linked creatine transporter deficiency; X-linked creatine deficiency syndrome; SLC6A8-Related Creatine Transporter Deficiency; CREATINE TRANSPORTER DEFECT. Identifiers: Orphanet 52503, MedGen C1845862, MONDO:0010305, OMIM 300352.

Allele frequency attached by ClinVar (database versions not stated): TOPMed below 0.00001; gnomAD exomes 0.00001.

Submission:

Labcorp Genetics (formerly Invitae), Labcorp
Classification: Uncertain significance for Creatine transporter deficiency. Last evaluated: 2021-09-02. Review status: criteria provided, single submitter. Criteria: Invitae Variant Classification Sherloc (09022015). Collection method: clinical testing. Allele origin: germline.
Comment: This sequence change replaces glycine with serine at codon 44 of the SLC6A8 protein (p.Gly44Ser). The glycine residue is weakly conserved and there is a small physicochemical difference between glycine and serine. This variant is not present in population databases (ExAC no frequency). This variant has not been reported in the literature in individuals affected with SLC6A8-related conditions. Advanced modeling of protein sequence and biophysical properties (such as structural, functional, and spatial information, amino acid conservation, physicochemical variation, residue mobility, and thermodynamic stability) performed at Invitae indicates that this missense variant is not expected to disrupt SLC6A8 protein function. In summary, the available evidence is currently insufficient to determine the role of this variant in disease. Therefore, it has been classified as a Variant of Uncertain Significance.

NM_005629.4(SLC6A8):c.130G>A (p.Gly44Ser)

Gene: SLC6A8 (solute carrier family 6 member 8; plus strand). Cytogenetic location: Xq28.
Variant type: single nucleotide variant.
Coding change: c.130G>A on transcript NM_005629.4 (MANE Select); coding-DNA position 130, G replaced by A.
Protein change: p.Gly44Ser; replaces glycine 44 with serine.
Molecular consequence: missense variant.
Genome position (GRCh38, 1-based): chrX:153,688,704, G>A. VCF-style: chrX-153688704-G-A. GRCh37 (hg19) VCF-style: chrX-152954159-G-A.
Other names: c.130G>A, p.Gly44Ser (NM_001142805.2); short protein forms G44S.
Identifiers: ClinVar variation 1353750 (VCV001353750.5), dbSNP rs2091437228, ClinGen allele CA415076399.